The following is an entry in ClinVar:

ClinVar aggregate classification (germline): Uncertain significance (1 of 4 stars; one submission).

gnomAD v4.1: 1 of 1,613,330 alleles (0.000062%); highest among the groups gnomAD compares: Non-Finnish European, 0.000085%; no homozygotes.

Submission:

Labcorp Genetics (formerly Invitae), Labcorp
Classification: Uncertain significance. Last evaluated: 2025-04-16. Review status: criteria provided, single submitter. Criteria: Invitae Variant Classification Sherloc (09022015). Collection method: clinical testing. Allele origin: germline.
Comment: This sequence change replaces aspartic acid, which is acidic and polar, with tyrosine, which is neutral and polar, at codon 464 of the SLC45A2 protein (p.Asp464Tyr). This variant is not present in population databases (gnomAD no frequency). This variant has not been reported in the literature in individuals affected with SLC45A2-related conditions. ClinVar contains an entry for this variant (Variation ID: 2079923). An algorithm developed to predict the effect of missense changes on protein structure and function (PolyPhen-2) suggests that this variant is likely to be tolerated. In summary, the available evidence is currently insufficient to determine the role of this variant in disease. Therefore, it has been classified as a Variant of Uncertain Significance.

NM_016180.5(SLC45A2):c.1390G>T (p.Asp464Tyr)

Gene: SLC45A2 (solute carrier family 45 member 2; minus strand). Cytogenetic location: 5p13.2.
Variant type: single nucleotide variant.
Coding change: c.1390G>T on transcript NM_016180.5 (MANE Select); coding-DNA position 1390, G replaced by T.
Protein change: p.Asp464Tyr; replaces aspartic acid 464 with tyrosine.
Molecular consequence: missense variant.
Genome position (GRCh38, 1-based): chr5:33,944,851, C>A on the plus strand (G>T on the coding strand, the complement: SLC45A2 is on the minus strand). VCF-style: chr5-33944851-C-A. GRCh37 (hg19) VCF-style: chr5-33944956-C-A.
Other names: short protein forms D464Y.
Identifiers: ClinVar variation 2079923 (VCV002079923.4), dbSNP rs909760291, ClinGen allele CA116871952.